The following is an entry in ClinVar:

ClinVar aggregate classification (germline): Uncertain significance (1 of 4 stars; one submission).

Conditions:
Hypercholesterolemia, autosomal dominant, type B (FHCL2). Also called: Hyperlipoproteinemia Type IIb; Familial Hypercholesterolemia Type B; APOLIPOPROTEIN B-100, FAMILIAL DEFECTIVE; APOLIPOPROTEIN B-100, FAMILIAL LIGAND-DEFECTIVE; Familial hypercholesterolemia 2; APOB-Related Familial Hypercholesterolemia, Autosomal Dominant. Identifiers: MedGen C1704417, MONDO:0007751, OMIM 144010.
Familial hypobetalipoproteinemia 1. Also called: Hypobetalipoproteinemia, normotriglyceridemic; Acanthocytosis with hypobetalipoproteinemia; APOB-Related Familial Hypobetalipoproteinemia. Identifiers: MedGen C4551990, MONDO:0014252, OMIM 615558.

Submission:

Labcorp Genetics (formerly Invitae), Labcorp
Classification: Uncertain significance for Familial hypobetalipoproteinemia 1; Hypercholesterolemia, autosomal dominant, type B. Last evaluated: 2018-04-02. Review status: criteria provided, single submitter. Criteria: Invitae Variant Classification Sherloc (09022015). Collection method: clinical testing. Allele origin: germline.
Comment: In summary, the available evidence is currently insufficient to determine the role of this variant in disease. Therefore, it has been classified as a Variant of Uncertain Significance. This sequence change replaces glutamine with lysine at codon 4153 of the APOB protein (p.Gln4153Lys). The glutamine residue is weakly conserved and there is a small physicochemical difference between glutamine and lysine. This variant is not present in population databases (ExAC no frequency). This variant has not been reported in the literature in individuals with APOB-related disease. Algorithms developed to predict the effect of missense changes on protein structure and function (SIFT, PolyPhen-2, Align-GVGD) all suggest that this variant is likely to be tolerated, but these predictions have not been confirmed by published functional studies and their clinical significance is uncertain.

NM_000384.3(APOB):c.12457C>A (p.Gln4153Lys)

Gene: APOB (apolipoprotein B; minus strand). Cytogenetic location: 2p24.1.
Variant type: single nucleotide variant.
Coding change: c.12457C>A on transcript NM_000384.3 (MANE Select); coding-DNA position 12457, C replaced by A.
Protein change: p.Gln4153Lys; replaces glutamine 4153 with lysine.
Molecular consequence: missense variant.
Genome position (GRCh38, 1-based): chr2:21,002,965, G>T on the plus strand (C>A on the coding strand, the complement: APOB is on the minus strand). VCF-style: chr2-21002965-G-T. GRCh37 (hg19) VCF-style: chr2-21225837-G-T.
Other names: short protein forms Q4153K.
Identifiers: ClinVar variation 581947 (VCV000581947.11), dbSNP rs1228367728, ClinGen allele CA345971205.